The following is an entry in ClinVar:

ClinVar aggregate classification (germline): Pathogenic. Review status: criteria provided, multiple submitters, no conflicts (2 of 4 stars). 3 submissions from 3 submitters: Pathogenic (3). Last evaluated 2024-09-04.

Conditions:
Hereditary cancer-predisposing syndrome. Also called: Hereditary neoplastic syndrome; Neoplastic Syndromes, Hereditary; Hereditary Cancer Syndrome; Tumor predisposition. Identifiers: Orphanet 140162, MedGen C0027672, MeSH D009386, MONDO:0015356.
Cardiovascular phenotype. Identifiers: MedGen CN230736.
Neurofibromatosis, type 1 (NF1). Also called: Peripheral type neurofibromatosis; Neurofibromatosis, type I; VON RECKLINGHAUSEN DISEASE; NEUROFIBROMATOSIS, TYPE I, SOMATIC. Identifiers: Orphanet 636, MedGen C0027831, MONDO:0018975, OMIM 162200. Disease mechanism: loss of function.

Submissions (3):

Ambry Genetics
Classification: Pathogenic for Cardiovascular phenotype; Hereditary cancer-predisposing syndrome. Last evaluated: 2024-09-04. Review status: criteria provided, single submitter. Criteria: Ambry Variant Classification Scheme 2023. Collection method: clinical testing. Allele origin: germline.
Comment: The c.3315-10_3335del31 pathogenic mutation results from a deletion of 31 nucleotides between positions c.3315-10 and 3335 and involves the canonical splice acceptor site before coding exon 26 of the NF1gene. This variant has been observed in at least one individual with a personal and/or family history that is consistent with neurofibromatosis type 1 (NF1) (Ambry internal data). This variant is considered to be rare based on population cohorts in the Genome Aggregation Database (gnomAD). Alterations that disrupt the canonical splice site are expected to cause aberrant splicing, resulting in an abnormal protein or a transcript that is subject to nonsense-mediated mRNA decay. As such, this alteration is interpreted as a disease-causing mutation.

GeneDx
Classification: Pathogenic. Last evaluated: 2024-01-23. Review status: criteria provided, single submitter. Criteria: GeneDx Variant Classification Process June 2021. Collection method: clinical testing. Allele origin: germline. Affected: yes.
Comment: Canonical splice site variant in a gene for which loss-of-function is a known mechanism of disease; Not observed in large population cohorts (gnomAD); This variant is associated with the following publications: (PMID: 34797032)

Labcorp Genetics (formerly Invitae), Labcorp
Classification: Pathogenic for Neurofibromatosis, type 1. Last evaluated: 2022-10-28. Review status: criteria provided, single submitter. Criteria: Invitae Variant Classification Sherloc (09022015). Collection method: clinical testing. Allele origin: germline.
Comment: This variant has not been reported in the literature in individuals affected with NF1-related conditions. For these reasons, this variant has been classified as Pathogenic. This variant disrupts a region of the NF1 protein in which other variant(s) (p.Tyr1106Cys) have been determined to be pathogenic (Invitae). This suggests that this is a clinically significant region of the protein, and that variants that disrupt it are likely to be disease-causing. Algorithms developed to predict the effect of sequence changes on RNA splicing suggest that this variant may disrupt the consensus splice site. ClinVar contains an entry for this variant (Variation ID: 1183908). This variant is not present in population databases (gnomAD no frequency). This variant results in the deletion of part of exon 26 of the NF1 gene. It is expected to disrupt RNA splicing. Variants that disrupt the donor or acceptor splice site typically lead to a loss of protein function (PMID: 16199547), and loss-of-function variants in NF1 are known to be pathogenic (PMID: 10712197, 23913538).

Literature cited by the submitters: PubMed 16199547 (cited by Labcorp Genetics (formerly Invitae), Labcorp); PubMed 10712197 (cited by Labcorp Genetics (formerly Invitae), Labcorp); PubMed 23913538 (cited by Labcorp Genetics (formerly Invitae), Labcorp).

NM_001042492.3(NF1):c.3315-10_3335del

Gene: NF1 (neurofibromin 1; plus strand). Cytogenetic location: 17q11.2.
Variant type: Deletion.
Coding change: c.3315-10_3335del on transcript NM_001042492.3 (MANE Select); 10 bases into the intron before coding-DNA position 3315 through coding-DNA position 3335, 31 bases deleted.
Molecular consequence: splice acceptor variant.
Genome position (GRCh38, 1-based): chr17:31,232,690-31,232,720, 31 bases deleted. GRCh37 (hg19): chr17:29,559,708-29,559,738.
Other names: c.3315-10_3335del (NM_000267.4); c.3315-10_3335del31 (NM_000267.3).
Identifiers: ClinVar variation 1183908 (VCV001183908.9), dbSNP rs2151434411, ClinGen allele CA2499224093.